The following is an entry in ClinVar:

ClinVar aggregate classification (germline): Benign. Review status: criteria provided, multiple submitters, no conflicts (2 of 4 stars). 2 submissions from 2 submitters: Benign (2). Last evaluated 2018-01-12.

Conditions:
Autosomal recessive limb-girdle muscular dystrophy type 2N. Also called: MUSCULAR DYSTROPHY-DYSTROGLYCANOPATHY, LIMB-GIRDLE, POMT2-RELATED; Muscular dystrophy-dystroglycanopathy (limb-girdle), type C, 2. Identifiers: Orphanet 206559, MedGen C3150418, MONDO:0013162, OMIM 613158.

Allele frequency attached by ClinVar (database versions not stated): gnomAD exomes 0.01855; gnomAD 0.13587 and 0.14409; 1000 Genomes Project 0.14437; TOPMed 0.14811; 1000 Genomes Project 30x 0.15131.

Submissions (2):

Illumina Laboratory Services, Illumina
Classification: Benign for Autosomal recessive limb-girdle muscular dystrophy type 2N. Last evaluated: 2018-01-12. Review status: criteria provided, single submitter. Criteria: ICSL Variant Classification Criteria 13 December 2019. Collection method: clinical testing. Allele origin: germline.
Comment: This variant was observed in the ICSL laboratory as part of a predisposition screen in an ostensibly healthy population. It had not been previously curated by ICSL or reported in the Human Gene Mutation Database (HGMD: prior to June 1st, 2018), and was therefore a candidate for classification through an automated scoring system. Utilizing variant allele frequency, disease prevalence and penetrance estimates, and inheritance mode, an automated score was calculated to assess if this variant is too frequent to cause the disease. Based on the score and internal cut-off values, a variant classified as benign is not then subjected to further curation. The score for this variant resulted in a classification of benign for this disease.

Breakthrough Genomics
Classification: Benign. Review status: criteria provided, single submitter. Criteria: ACMG Guidelines, 2015. Collection method: not provided. Allele origin: germline. Inheritance: Autosomal recessive inheritance. Affected: yes.

NM_013382.7(POMT2):c.*587G>A

Gene: POMT2 (protein O-mannosyltransferase 2; minus strand). Cytogenetic location: 14q24.3.
Variant type: single nucleotide variant.
Coding change: c.*587G>A on transcript NM_013382.7 (MANE Select); 587 bases downstream of the stop codon, G replaced by A.
Molecular consequence: 3 prime UTR variant.
Genome position (GRCh38, 1-based): chr14:77,276,789, C>T on the plus strand (G>A on the coding strand, the complement: POMT2 is on the minus strand). VCF-style: chr14-77276789-C-T. GRCh37 (hg19) VCF-style: chr14-77743132-C-T.
Identifiers: ClinVar variation 314545 (VCV000314545.6), dbSNP rs10141995, ClinGen allele CA10641092.
Genomic context (GRCh38, chr14:77,276,789, plus strand): 5'-GCAGCCACTGGGGGGCATGGTGGGAGCCAGGCCCTCCAGCTCGGGGCGGCGCGCCTTCCT[C>T]CACGCTGGATTCATTTGTTTGTGGGAGGGAGGGCAGCACAACTTTGACAGTCCCATCTGC-3'